The following is an entry in ClinVar:

ClinVar aggregate classification (germline): Benign (0 of 4 stars; one submission).

Conditions:
CPZ-related disorder. Also called: CPZ-related condition.

Allele frequency attached by ClinVar (database versions not stated): 1000 Genomes Project 0.00300; 1000 Genomes Project 30x 0.00312; ESP Exome Variant Server 0.00730; TOPMed 0.00738.
gnomAD v4.1: 8,181 of 1,614,012 alleles (0.51%); highest among the groups gnomAD compares: Middle Eastern, 2.9%; 54 homozygotes.

Submission:

PreventionGenetics, part of Exact Sciences
Classification: Benign for CPZ-related condition. Last evaluated: 2019-10-29. Review status: no assertion criteria provided. Collection method: clinical testing. Allele origin: germline.
Comment: This variant is classified as benign based on ACMG/AMP sequence variant interpretation guidelines (Richards et al. 2015 PMID: 25741868, with internal and published modifications).

NM_001014447.3(CPZ):c.1438C>G (p.Pro480Ala)

Gene: CPZ (carboxypeptidase Z; plus strand). Cytogenetic location: 4p16.1.
Variant type: single nucleotide variant.
Coding change: c.1438C>G on transcript NM_001014447.3 (MANE Select); coding-DNA position 1438, C replaced by G.
Protein change: p.Pro480Ala; replaces proline 480 with alanine.
Molecular consequence: missense variant.
Genome position (GRCh38, 1-based): chr4:8,614,433, C>G. VCF-style: chr4-8614433-C-G. GRCh37 (hg19) VCF-style: chr4-8616160-C-G.
Other names: c.1027C>G, p.Pro343Ala (NM_001014448.3); c.1405C>G, p.Pro469Ala (NM_003652.4); short protein forms P343A, P469A, P480A.
Identifiers: ClinVar variation 3041702 (VCV003041702.2), dbSNP rs144878756, ClinGen allele CA2853841.